The following is an entry in ClinVar:

ClinVar aggregate classification (germline): Uncertain significance (1 of 4 stars; one submission).

Allele frequency attached by ClinVar (database versions not stated): TOPMed below 0.00001; ESP Exome Variant Server 0.00008.

Submission:

GeneDx
Classification: Uncertain significance. Last evaluated: 2023-02-06. Review status: criteria provided, single submitter. Criteria: GeneDx Variant Classification Process June 2021. Collection method: clinical testing. Allele origin: germline. Affected: yes.
Comment: Not observed at significant frequency in large population cohorts (gnomAD); In silico analysis supports that this missense variant does not alter protein structure/function; Has not been previously published as pathogenic or benign to our knowledge

NM_001303052.2(MYT1L):c.376G>A (p.Glu126Lys)

Gene: MYT1L (myelin transcription factor 1 like; minus strand). Cytogenetic location: 2p25.3.
Variant type: single nucleotide variant.
Coding change: c.376G>A on transcript NM_001303052.2 (MANE Select); coding-DNA position 376, G replaced by A.
Protein change: p.Glu126Lys; replaces glutamic acid 126 with lysine.
Molecular consequence: missense variant.
Genome position (GRCh38, 1-based): chr2:1,943,111, C>T on the plus strand (G>A on the coding strand, the complement: MYT1L is on the minus strand). VCF-style: chr2-1943111-C-T. GRCh37 (hg19) VCF-style: chr2-1946883-C-T.
Other names: c.376G>A, p.Glu126Lys (NM_001329844.2, NM_001329845.1, NM_001329846.3 and 6 more transcripts); short protein forms E126K.
Identifiers: ClinVar variation 2574712 (VCV002574712.1), dbSNP rs375348395, ClinGen allele CA41443410.
Genomic context (GRCh38, chr2:1,943,111, plus strand): 5'-CATCCTCGTCATCGTCCTCATCCTCCTCCTCGATCTCCTCCTCCTCCTCCCGGTCCCCCT[C>T]CTCGTCCTCCTCGTCCTCATCCCCTGGCTCATCATTGTCCTCGGAGTACTCCTCCCCCTC-3'
Protein context (NP_001289981.1, residues 116-136): EPGDEDEEDE[Glu126Lys]GDREEEEEIE